The following is an entry in ClinVar:

ClinVar aggregate classification (germline): Uncertain significance (1 of 4 stars; one submission).

Submission:

GeneDx
Classification: Uncertain significance. Last evaluated: 2022-12-03. Review status: criteria provided, single submitter. Criteria: GeneDx Variant Classification Process June 2021. Collection method: clinical testing. Allele origin: germline. Affected: yes.
Comment: Not observed at significant frequency in large population cohorts (gnomAD); In silico analysis supports that this missense variant has a deleterious effect on protein structure/function; Has not been previously published as pathogenic or benign to our knowledge

NM_001110556.2(FLNA):c.6424G>A (p.Glu2142Lys)

Gene: FLNA (filamin A; minus strand). Cytogenetic location: Xq28.
Variant type: single nucleotide variant.
Coding change: c.6424G>A on transcript NM_001110556.2 (MANE Select); coding-DNA position 6424, G replaced by A.
Protein change: p.Glu2142Lys; replaces glutamic acid 2142 with lysine.
Molecular consequence: missense variant.
Genome position (GRCh38, 1-based): chrX:154,352,631, C>T on the plus strand (G>A on the coding strand, the complement: FLNA is on the minus strand). VCF-style: chrX-154352631-C-T. GRCh37 (hg19) VCF-style: chrX-153580999-C-T.
Other names: c.6400G>A, p.Glu2134Lys (NM_001456.4); short protein forms E2134K, E2142K.
Identifiers: ClinVar variation 2504352 (VCV002504352.1), dbSNP rs1557176010, ClinGen allele CA415192373.